The following is an entry in ClinVar:

NM_020937.4(FANCM):c.2777A>C (p.Glu926Ala)

Gene: FANCM (FA complementation group M; plus strand). Cytogenetic location: 14q21.2.
Variant type: single nucleotide variant.
Coding change: c.2777A>C on transcript NM_020937.4 (MANE Select); coding-DNA position 2777, A replaced by C.
Protein change: p.Glu926Ala; replaces glutamic acid 926 with alanine.
Molecular consequence: missense variant.
Genome position (GRCh38, 1-based): chr14:45,175,531, A>C. VCF-style: chr14-45175531-A-C. GRCh37 (hg19) VCF-style: chr14-45644734-A-C.
Other names: c.2699A>C, p.Glu900Ala (NM_001308133.2); short protein forms E900A, E926A.
Identifiers: ClinVar variation 3512902 (VCV003512902.1).

ClinVar aggregate classification (germline): Uncertain significance (1 of 4 stars; one submission).

Conditions:
Inborn genetic diseases. Identifiers: MedGen C0950123, MeSH D030342.

gnomAD v4.1: 1 of 1,612,970 alleles (0.000062%); highest among the groups gnomAD compares: African/African-American, 0.0013%; no homozygotes.

Submission:

Ambry Genetics
Classification: Uncertain significance for Inborn genetic diseases. Last evaluated: 2024-11-21. Review status: criteria provided, single submitter. Criteria: Ambry Variant Classification Scheme 2023. Collection method: clinical testing. Allele origin: germline.
Comment: The p.E926A variant (also known as c.2777A>C), located in coding exon 14 of the FANCM gene, results from an A to C substitution at nucleotide position 2777. The glutamic acid at codon 926 is replaced by alanine, an amino acid with dissimilar properties. This amino acid position is conserved. In addition, this alteration is predicted to be tolerated by in silico analysis. Based on the available evidence, the clinical significance of this variant remains unclear.